The following is an entry in ClinVar:

NM_001330195.2(NRXN3):c.825G>A (p.Pro275=)

Gene: NRXN3 (neurexin 3; plus strand). Cytogenetic location: 14q24.3.
Variant type: single nucleotide variant.
Coding change: c.825G>A on transcript NM_001330195.2 (MANE Select); coding-DNA position 825, G replaced by A.
Protein change: p.Pro275=; no amino-acid change (proline 275 retained).
Molecular consequence: synonymous variant. On other transcripts: 5 prime UTR variant (1), non-coding transcript variant (4).
Genome position (GRCh38, 1-based): chr14:78,645,187, G>A. VCF-style: chr14-78645187-G-A. GRCh37 (hg19) VCF-style: chr14-79111530-G-A.
Other names: c.825G>A, p.Pro275= (NM_001366425.1); c.837G>A, p.Pro279= (NM_001366426.1); c.-295G>A (NM_004796.6).
Identifiers: ClinVar variation 3033401 (VCV003033401.2), dbSNP rs764303359, ClinGen allele CA7291485.

ClinVar aggregate classification (germline): Likely benign (0 of 4 stars; one submission).

Conditions:
NRXN3-related disorder. Also called: NRXN3-related condition.

Allele frequency attached by ClinVar (database versions not stated): gnomAD exomes 0.00005; TOPMed 0.00020; gnomAD 0.00021.
gnomAD v4.1: 105 of 1,595,800 alleles (0.0066%); highest among the groups gnomAD compares: African/African-American, 0.056%; no homozygotes.

Submission:

PreventionGenetics, part of Exact Sciences
Classification: Likely benign for NRXN3-related condition. Last evaluated: 2019-06-11. Review status: no assertion criteria provided. Collection method: clinical testing. Allele origin: germline.
Comment: This variant is classified as likely benign based on ACMG/AMP sequence variant interpretation guidelines (Richards et al. 2015 PMID: 25741868, with internal and published modifications).